The following is an entry in ClinVar:

NM_000127.3(EXT1):c.803G>T (p.Gly268Val)

Gene: EXT1 (exostosin glycosyltransferase 1; minus strand). Cytogenetic location: 8q24.11.
Variant type: single nucleotide variant.
Coding change: c.803G>T on transcript NM_000127.3 (MANE Select); coding-DNA position 803, G replaced by T.
Protein change: p.Gly268Val; replaces glycine 268 with valine.
Molecular consequence: missense variant.
Genome position (GRCh38, 1-based): chr8:118,110,244, C>A on the plus strand (G>T on the coding strand, the complement: EXT1 is on the minus strand). VCF-style: chr8-118110244-C-A. GRCh37 (hg19) VCF-style: chr8-119122483-C-A.
Other names: short protein forms G268V.
Identifiers: ClinVar variation 1453691 (VCV001453691.6), dbSNP rs886039352, ClinGen allele CA371915015.

ClinVar aggregate classification (germline): Pathogenic (1 of 4 stars; one submission).

Conditions:
Multiple congenital exostosis (EXT). Also called: Multiple osteochondromas; MULTIPLE CARTILAGINOUS EXOSTOSES; Hereditary multiple exostoses; Hereditary multiple exostosis; Hereditary multiple osteochondromas; Multiple exostoses. Identifiers: Orphanet 321, MedGen C0015306, MONDO:0005508, HP:0002762.

Submission:

Labcorp Genetics (formerly Invitae), Labcorp
Classification: Pathogenic for Multiple congenital exostosis. Last evaluated: 2021-08-15. Review status: criteria provided, single submitter. Criteria: Invitae Variant Classification Sherloc (09022015). Collection method: clinical testing. Allele origin: germline.
Comment: This sequence change replaces glycine with valine at codon 268 of the EXT1 protein (p.Gly268Val). The glycine residue is highly conserved and there is a moderate physicochemical difference between glycine and valine. This variant is not present in population databases (ExAC no frequency). This missense change has been observed in individual(s) with hereditary multiple osteochondromas (Invitae). Advanced modeling of protein sequence and biophysical properties (such as structural, functional, and spatial information, amino acid conservation, physicochemical variation, residue mobility, and thermodynamic stability) performed at Invitae indicates that this missense variant is expected to disrupt EXT1 protein function. Algorithms developed to predict the effect of sequence changes on RNA splicing suggest that this variant may create or strengthen a splice site. This variant disrupts the p.Gly268 amino acid residue in EXT1. Other variant(s) that disrupt this residue have been determined to be pathogenic (PMID: 19819120; Invitae). This suggests that this residue is clinically significant, and that variants that disrupt this residue are likely to be disease-causing. For these reasons, this variant has been classified as Pathogenic.

Literature cited by the submitters: PubMed 19819120.